The following is an entry in ClinVar:

ClinVar aggregate classification (germline): Uncertain significance (1 of 4 stars; one submission).

Submission:

Labcorp Genetics (formerly Invitae), Labcorp
Classification: Uncertain significance. Last evaluated: 2022-10-17. Review status: criteria provided, single submitter. Criteria: Invitae Variant Classification Sherloc (09022015). Collection method: clinical testing. Allele origin: germline.
Comment: This variant is not present in population databases (gnomAD no frequency). In summary, the available evidence is currently insufficient to determine the role of this variant in disease. Therefore, it has been classified as a Variant of Uncertain Significance. Experimental studies and prediction algorithms are not available or were not evaluated, and the functional significance of this variant is currently unknown. This variant has not been reported in the literature in individuals affected with RP1-related conditions. This variant, c.4797_4802del, results in the deletion of 2 amino acid(s) of the RP1 protein (p.Asp1599_Ser1600del), but otherwise preserves the integrity of the reading frame.

NM_006269.2(RP1):c.4791CAGTGA[1] (p.1597DS[1])

Gene: RP1 (RP1 axonemal microtubule associated; plus strand). Cytogenetic location: 8q12.1.
Variant type: Microsatellite.
Coding change: c.4791CAGTGA[1] on transcript NM_006269.2 (MANE Select); one copy of the 6-base unit CAGTGA starting at c.4791; the reference has two copies in a row; one copy, 6 bases deleted.
Protein change: p.1597DS[1].
Molecular consequence: inframe deletion. On other transcripts: intron variant (1).
Genome position (GRCh38, 1-based): chr8:54,628,679-54,628,684, CAGTGA deleted; deleting any 6 consecutive bases within chr8:54,628,670-54,628,684 gives the same sequence; the position shown is the placement nearest the transcript's 3' end. VCF-style (leftmost placement, unchanged base first): chr8-54628669-CTGACAG-C. GRCh37 (hg19) VCF-style: chr8-55541229-CTGACAG-C.
Other names: c.787+6391_787+6396del (NM_001375654.1).
Identifiers: ClinVar variation 1380066 (VCV001380066.6), dbSNP rs1306684551, ClinGen allele CA2580617159.
Genomic context (GRCh38, chr8:54,628,669, plus strand): 5'-CTCCTGATTTAAAAAAATGCATCAAAAGTCCAGTGACTTCTGATTGGTCAGACTATCGGC[CTGACAG>C]TGACAGTGAGCAGCCATATAAAACATCCAGTGATGATCCCAATGACAGTGGCGAACTTAC-3'